The following is an entry in ClinVar:

NM_004070.4(CLCNKA):c.238T>G (p.Trp80Gly)

Genes: CLCNKA (chloride voltage-gated channel Ka; plus strand), LOC106501712 (CLCNKA recombination region; plus strand). Cytogenetic location: 1p36.13.
Variant type: single nucleotide variant.
Coding change: c.238T>G on transcript NM_004070.4 (MANE Select); coding-DNA position 238, T replaced by G.
Protein change: p.Trp80Gly; replaces tryptophan 80 with glycine.
Molecular consequence: missense variant. On other transcripts: intron variant (1).
Genome position (GRCh38, 1-based): chr1:16,024,771, T>G. VCF-style: chr1-16024771-T-G. GRCh37 (hg19) VCF-style: chr1-16351266-T-G.
Other names: p.Trp80Gly; c.238T>G, p.Trp80Gly (NM_001042704.2); c.229+843T>G (NM_001257139.2); short protein forms W80G.
Identifiers: ClinVar variation 4540779 (VCV004540779.1).

ClinVar aggregate classification (germline): Uncertain significance (1 of 4 stars; one submission).

Submission:

Mayo Clinic Laboratories, Mayo Clinic
Classification: Uncertain significance. Last evaluated: 2025-01-02. Review status: criteria provided, single submitter. Criteria: ACMG Guidelines, 2015. Collection method: clinical testing. Allele origin: germline. Observed: 1 variant allele.
Comment: PP3

Literature cited by the submitters: PubMed 15044642.